The following is an entry in ClinVar:

ClinVar aggregate classification (germline): Benign/Likely benign. Review status: criteria provided, multiple submitters, no conflicts (2 of 4 stars). 4 submissions from 4 submitters: Benign (1); Likely benign (3). Last evaluated 2026-05-29.

Conditions:
TTN-related disorder. Also called: TTN-related condition; TTN-related disease; TTN-related disorders.
Cardiovascular phenotype. Identifiers: MedGen CN230736.
Autosomal recessive limb-girdle muscular dystrophy type 2J (LGMDR10). Also called: Limb-girdle muscular dystrophy, type 2J; MUSCULAR DYSTROPHY, LIMB-GIRDLE, AUTOSOMAL RECESSIVE 10. Identifiers: Orphanet 140922, MedGen C1837342, MONDO:0012127, OMIM 608807.
Dilated cardiomyopathy 1G (CMD1G). Identifiers: Orphanet 154, MedGen C1858763, MONDO:0011400, OMIM 604145.

Allele frequency attached by ClinVar (database versions not stated): TOPMed 0.00003; ExAC 0.00004; gnomAD exomes 0.00007 and 0.00008; gnomAD 0.00003.
gnomAD v4.1: 120 of 1,612,384 alleles (0.0074%); highest among the groups gnomAD compares: Admixed American, 0.022%; no homozygotes.

Submissions (4):

PreventionGenetics, part of Exact Sciences
Classification: Likely benign for TTN-related condition. Last evaluated: 2026-05-29. Review status: criteria provided, single submitter. Criteria: ACMG Guidelines, 2015. Collection method: clinical testing. Allele origin: germline.
Comment: This variant is classified as likely benign based on ACMG/AMP sequence variant interpretation guidelines (Richards et al. 2015 PMID: 25741868, with internal and published modifications).

Labcorp Genetics (formerly Invitae), Labcorp
Classification: Likely benign for Dilated cardiomyopathy 1G; Autosomal recessive limb-girdle muscular dystrophy type 2J. Last evaluated: 2025-11-06. Review status: criteria provided, single submitter. Criteria: Invitae Variant Classification Sherloc (09022015). Collection method: clinical testing. Allele origin: germline.

Blueprint Genetics
Classification: Likely benign. Last evaluated: 2024-05-03. Review status: criteria provided, single submitter. Criteria: ACMG Guidelines, 2015. Collection method: clinical testing. Allele origin: germline.

Ambry Genetics
Classification: Benign for Cardiovascular phenotype. Last evaluated: 2020-08-12. Review status: criteria provided, single submitter. Criteria: Ambry Variant Classification Scheme 2023. Collection method: clinical testing. Allele origin: germline.

NM_001267550.2(TTN):c.70194T>C (p.Thr23398=)

Genes: TTN (titin; minus strand), TTN-AS1 (TTN antisense RNA 1; plus strand), LOC126806422 (BRD4-independent group 4 enhancer GRCh37_chr2:179440205-179441404; plus strand). Cytogenetic location: 2q31.2.
Variant type: single nucleotide variant.
Coding change: c.70194T>C on transcript NM_001267550.2 (MANE Select); coding-DNA position 70194, T replaced by C.
Protein change: p.Thr23398=; no amino-acid change (threonine 23398 retained).
Molecular consequence: synonymous variant.
Genome position (GRCh38, 1-based): chr2:178,575,938, A>G on the plus strand (T>C on the coding strand, the complement: TTN is on the minus strand). VCF-style: chr2-178575938-A-G. GRCh37 (hg19) VCF-style: chr2-179440665-A-G.
Other names: c.65271T>C, p.Thr21757= (NM_001256850.1); c.42999T>C, p.Thr14333= (NM_003319.4); c.62490T>C, p.Thr20830= (NM_133378.4); c.43374T>C, p.Thr14458= (NM_133432.3); c.43575T>C, p.Thr14525= (NM_133437.4).
Identifiers: ClinVar variation 701491 (VCV000701491.15), dbSNP rs764734126, ClinGen allele CA1990824.